The following is an entry in ClinVar:

ClinVar aggregate classification (germline): Uncertain significance. Review status: criteria provided, multiple submitters, no conflicts (2 of 4 stars). 2 submissions from 2 submitters: Uncertain significance (2). Last evaluated 2025-10-23.

Conditions:
Inborn genetic diseases. Identifiers: MedGen C0950123, MeSH D030342.
MYH14-related disorder. Also called: MYH14-related condition.

Allele frequency attached by ClinVar (database versions not stated): TOPMed 0.00003; gnomAD 0.00001; gnomAD exomes 0.00003.
gnomAD v4.1: 43 of 1,613,086 alleles (0.0027%); highest among the groups gnomAD compares: Non-Finnish European, 0.0033%; no homozygotes.

Submissions (2):

Ambry Genetics
Classification: Uncertain significance for Inborn genetic diseases. Last evaluated: 2025-10-23. Review status: criteria provided, single submitter. Criteria: Ambry Variant Classification Scheme 2023. Collection method: clinical testing. Allele origin: germline.

PreventionGenetics, part of Exact Sciences
Classification: Uncertain significance for MYH14-related condition. Last evaluated: 2023-09-25. Review status: criteria provided, single submitter. Criteria: ACMG Guidelines, 2015. Collection method: clinical testing. Allele origin: germline.
Comment: The MYH14 c.4853A>T variant is predicted to result in the amino acid substitution p.Asp1618Val. To our knowledge, this variant has not been reported in the literature. This variant is reported in 0.0028% of alleles in individuals of Latino descent in gnomAD. At this time, the clinical significance of this variant is uncertain due to the absence of conclusive functional and genetic evidence.

NM_001145809.2(MYH14):c.4853A>T (p.Asp1618Val)

Gene: MYH14 (myosin heavy chain 14; plus strand). Cytogenetic location: 19q13.33.
Variant type: single nucleotide variant.
Coding change: c.4853A>T on transcript NM_001145809.2 (MANE Select); coding-DNA position 4853, A replaced by T.
Protein change: p.Asp1618Val; replaces aspartic acid 1618 with valine.
Molecular consequence: missense variant.
Genome position (GRCh38, 1-based): chr19:50,289,536, A>T. VCF-style: chr19-50289536-A-T. GRCh37 (hg19) VCF-style: chr19-50792793-A-T.
Other names: c.4754A>T, p.Asp1585Val (NM_001077186.2); c.4730A>T, p.Asp1577Val (NM_024729.4); c.4730A>T (NM_024729.3); short protein forms D1577V, D1585V, D1618V.
Identifiers: ClinVar variation 2633912 (VCV002633912.2), dbSNP rs1366781078, ClinGen allele CA406960526.